The following is an entry in ClinVar:

ClinVar aggregate classification (germline): Likely pathogenic (1 of 4 stars; one submission).

Conditions:
Hereditary cancer-predisposing syndrome. Also called: Neoplastic Syndromes, Hereditary; Tumor predisposition; Hereditary neoplastic syndrome; Hereditary Cancer Syndrome. Identifiers: Orphanet 140162, MedGen C0027672, MeSH D009386, MONDO:0015356.

Allele frequency attached by ClinVar (database versions not stated): TOPMed below 0.00001.

Submission:

Ambry Genetics
Classification: Likely pathogenic for Hereditary cancer-predisposing syndrome. Last evaluated: 2026-03-02. Review status: criteria provided, single submitter. Criteria: Ambry Variant Classification Scheme 2023. Collection method: clinical testing. Allele origin: germline.
Comment: The c.600C>T variant (also known as p.G200G), located in coding exon 2 of the MEN1 gene, results from a C to T substitution at nucleotide position 600. This nucleotide substitution does not change the amino acid at codon 200. This variant was reported in individual(s) with features consistent with multiple endocrine neoplasia type 1 (Ambry internal data). This nucleotide position is well conserved in available vertebrate species. In silico splice site analysis predicts that this alteration will result in the creation or strengthening of a novel splice donor site. Based on the majority of available evidence to date, this variant is likely to be pathogenic.

NM_001370259.2(MEN1):c.600C>T (p.Gly200=)

Gene: MEN1 (menin 1; minus strand). Cytogenetic location: 11q13.1.
Variant type: single nucleotide variant.
Coding change: c.600C>T on transcript NM_001370259.2 (MANE Select); coding-DNA position 600, C replaced by T.
Protein change: p.Gly200=; no amino-acid change (glycine 200 retained).
Molecular consequence: synonymous variant. On other transcripts: intron variant (2).
Genome position (GRCh38, 1-based): chr11:64,807,945, G>A on the plus strand (C>T on the coding strand, the complement: MEN1 is on the minus strand). VCF-style: chr11-64807945-G-A. GRCh37 (hg19) VCF-style: chr11-64575417-G-A.
Other names: c.615C>T, p.Gly205= (NM_000244.4, NM_130800.3, NM_130801.3 and 3 more transcripts); c.600C>T, p.Gly200= (NM_001370251.2, NM_001370260.2, NM_001370261.2 and 1 more transcripts); c.549+51C>T (NM_001370263.2, NM_001370262.2).
Identifiers: ClinVar variation 428015 (VCV000428015.7), dbSNP rs1114167479, ClinGen allele CA475162877.